The following is an entry in ClinVar:

ClinVar aggregate classification (germline): Uncertain significance (1 of 4 stars; one submission).

Submission:

GeneDx
Classification: Uncertain significance. Last evaluated: 2026-03-20. Review status: criteria provided, single submitter. Criteria: GeneDx Variant Classification Process June 2021. Collection method: clinical testing. Allele origin: germline.
Comment: Not observed at significant frequency in large population cohorts (gnomAD); In silico analysis suggests that this missense variant does not alter protein structure/function; Has not been previously published as pathogenic or benign to our knowledge

NM_001318852.2(MAPK8IP3):c.3835A>C (p.Lys1279Gln)

Gene: MAPK8IP3 (mitogen-activated protein kinase 8 interacting protein 3; plus strand). Cytogenetic location: 16p13.3.
Variant type: single nucleotide variant.
Coding change: c.3835A>C on transcript NM_001318852.2 (MANE Select); coding-DNA position 3835, A replaced by C.
Protein change: p.Lys1279Gln; replaces lysine 1279 with glutamine.
Molecular consequence: missense variant.
Genome position (GRCh38, 1-based): chr16:1,768,569, A>C. VCF-style: chr16-1768569-A-C. GRCh37 (hg19) VCF-style: chr16-1818570-A-C.
Other names: c.3814A>C, p.Lys1272Gln (NM_001040439.2); c.3832A>C, p.Lys1278Gln (NM_015133.5); short protein forms K1272Q, K1278Q, K1279Q.
Identifiers: ClinVar variation 5009537 (VCV005009537.1).